The following is an entry in ClinVar:

ClinVar aggregate classification (germline): Likely pathogenic (1 of 4 stars; one submission).

Submission:

Mayo Clinic Laboratories, Mayo Clinic
Classification: Likely pathogenic. Last evaluated: 2024-03-25. Review status: criteria provided, single submitter. Criteria: ACMG Guidelines, 2015. Collection method: clinical testing. Allele origin: germline. Observed: 1 variant allele.
Comment: PM2_moderate, PVS1

NM_000037.4(ANK1):c.1236del (p.Phe413fs)

Gene: ANK1 (ankyrin 1; minus strand). Cytogenetic location: 8p11.21.
Variant type: Deletion.
Coding change: c.1236del on transcript NM_000037.4 (MANE Select); coding-DNA position 1236, one base deleted (C; older notation c.1236delC).
Protein change: p.Phe413fs; shifts the reading frame from phenylalanine 413.
Molecular consequence: frameshift variant.
Genome position (GRCh38, 1-based): chr8:41,717,673, G deleted on the plus strand (C on the coding strand, the reverse complement: ANK1 is on the minus strand); the first of 2 consecutive G bases (chr8:41,717,673-41,717,674); deleting either gives the same sequence. VCF-style (leftmost placement, unchanged base first): chr8-41717672-AG-A. GRCh37 (hg19) VCF-style: chr8-41575190-AG-A.
Other names: p.Phe413Serfs*8; c.1335del, p.Phe446fs (NM_001142446.2); c.1236del, p.Phe413fs (NM_020475.3, NM_020476.3, NM_020477.3); short protein forms F413fs, F446fs.
Identifiers: ClinVar variation 3381042 (VCV003381042.1).